The following is an entry in ClinVar:

ClinVar aggregate classification (germline): Uncertain significance (1 of 4 stars; one submission).

Allele frequency attached by ClinVar (database versions not stated): gnomAD exomes 0.00001 and 0.00003; gnomAD 0.00002; ExAC 0.00003.
gnomAD v4.1: 23 of 1,611,336 alleles (0.0014%); highest among the groups gnomAD compares: East Asian, 0.0045%; no homozygotes.

Submission:

Labcorp Genetics (formerly Invitae), Labcorp
Classification: Uncertain significance. Last evaluated: 2022-02-03. Review status: criteria provided, single submitter. Criteria: Invitae Variant Classification Sherloc (09022015). Collection method: clinical testing. Allele origin: germline.
Comment: This sequence change replaces arginine, which is basic and polar, with cysteine, which is neutral and slightly polar, at codon 104 of the LRRK1 protein (p.Arg104Cys). This variant is present in population databases (rs775753659, gnomAD 0.009%). This variant has not been reported in the literature in individuals affected with LRRK1-related conditions. Algorithms developed to predict the effect of missense changes on protein structure and function are either unavailable or do not agree on the potential impact of this missense change (SIFT: "Deleterious"; PolyPhen-2: "Benign"; Align-GVGD: "Class C0"). In summary, the available evidence is currently insufficient to determine the role of this variant in disease. Therefore, it has been classified as a Variant of Uncertain Significance.

NM_024652.6(LRRK1):c.310C>T (p.Arg104Cys)

Gene: LRRK1 (leucine rich repeat kinase 1; plus strand). Cytogenetic location: 15q26.3.
Variant type: single nucleotide variant.
Coding change: c.310C>T on transcript NM_024652.6 (MANE Select); coding-DNA position 310, C replaced by T.
Protein change: p.Arg104Cys; replaces arginine 104 with cysteine.
Molecular consequence: missense variant.
Genome position (GRCh38, 1-based): chr15:100,983,576, C>T. VCF-style: chr15-100983576-C-T. GRCh37 (hg19) VCF-style: chr15-101523781-C-T.
Other names: short protein forms R104C.
Identifiers: ClinVar variation 1508370 (VCV001508370.5), dbSNP rs775753659, ClinGen allele CA7760537.